The following is an entry in ClinVar:

ClinVar aggregate classification (germline): Uncertain significance (1 of 4 stars; one submission).

Submission:

Labcorp Genetics (formerly Invitae), Labcorp
Classification: Uncertain significance. Last evaluated: 2022-02-24. Review status: criteria provided, single submitter. Criteria: Invitae Variant Classification Sherloc (09022015). Collection method: clinical testing. Allele origin: germline.
Comment: In summary, the available evidence is currently insufficient to determine the role of this variant in disease. Therefore, it has been classified as a Variant of Uncertain Significance. Algorithms developed to predict the effect of missense changes on protein structure and function (SIFT, PolyPhen-2, Align-GVGD) all suggest that this variant is likely to be tolerated. This variant has not been reported in the literature in individuals affected with ADGRA3-related conditions. This variant is not present in population databases (gnomAD no frequency). This sequence change replaces phenylalanine, which is neutral and non-polar, with leucine, which is neutral and non-polar, at codon 641 of the ADGRA3 protein (p.Phe641Leu).

NM_145290.4(ADGRA3):c.1921T>C (p.Phe641Leu)

Gene: ADGRA3 (adhesion G protein-coupled receptor A3; minus strand). Cytogenetic location: 4p15.2.
Variant type: single nucleotide variant.
Coding change: c.1921T>C on transcript NM_145290.4 (MANE Select); coding-DNA position 1921, T replaced by C.
Protein change: p.Phe641Leu; replaces phenylalanine 641 with leucine.
Molecular consequence: missense variant.
Genome position (GRCh38, 1-based): chr4:22,413,703, A>G on the plus strand (T>C on the coding strand, the complement: ADGRA3 is on the minus strand). VCF-style: chr4-22413703-A-G. GRCh37 (hg19) VCF-style: chr4-22415326-A-G.
Other names: short protein forms F641L.
Identifiers: ClinVar variation 2102901 (VCV002102901.4), dbSNP rs2474730696, ClinGen allele CA356480153.